The following is an entry in ClinVar:

ClinVar aggregate classification (germline): Uncertain significance (1 of 4 stars; one submission).

Conditions:
Joubert syndrome. Also called: CEREBELLOPARENCHYMAL DISORDER IV; JOUBERT-BOLTSHAUSER SYNDROME; Familial aplasia of the vermis. Identifiers: Orphanet 475, MedGen C5979921, MONDO:0018772.
Meckel-Gruber syndrome. Also called: DYSENCEPHALIA SPLANCHNOCYSTICA; GRUBER SYNDROME; Dysencephalia splachnocystica. Identifiers: Orphanet 564, MedGen C0265215, MONDO:0018921.

Allele frequency attached by ClinVar (database versions not stated): gnomAD 0.00001; TOPMed 0.00001.

Submission:

Labcorp Genetics (formerly Invitae), Labcorp
Classification: Uncertain significance for Joubert syndrome; Meckel-Gruber syndrome. Last evaluated: 2022-10-13. Review status: criteria provided, single submitter. Criteria: Invitae Variant Classification Sherloc (09022015). Collection method: clinical testing. Allele origin: germline.
Comment: This variant has not been reported in the literature in individuals affected with TCTN1-related conditions. This sequence change replaces proline, which is neutral and non-polar, with serine, which is neutral and polar, at codon 202 of the TCTN1 protein (p.Pro202Ser). This variant is not present in population databases (gnomAD no frequency). Advanced modeling of protein sequence and biophysical properties (such as structural, functional, and spatial information, amino acid conservation, physicochemical variation, residue mobility, and thermodynamic stability) performed at Invitae indicates that this missense variant is not expected to disrupt TCTN1 protein function. In summary, the available evidence is currently insufficient to determine the role of this variant in disease. Therefore, it has been classified as a Variant of Uncertain Significance.

NM_001082538.3(TCTN1):c.604C>T (p.Pro202Ser)

Gene: TCTN1 (tectonic family member 1; plus strand). Cytogenetic location: 12q24.11.
Variant type: single nucleotide variant.
Coding change: c.604C>T on transcript NM_001082538.3 (MANE Select); coding-DNA position 604, C replaced by T.
Protein change: p.Pro202Ser; replaces proline 202 with serine.
Molecular consequence: missense variant. On other transcripts: non-coding transcript variant (1).
Genome position (GRCh38, 1-based): chr12:110,628,898, C>T. VCF-style: chr12-110628898-C-T. GRCh37 (hg19) VCF-style: chr12-111066703-C-T.
Other names: c.604C>T, p.Pro202Ser (NM_001082537.3, NM_001319680.2, NM_024549.6); c.436C>T, p.Pro146Ser (NM_001173975.3, NM_001319682.3); c.424C>T, p.Pro142Ser (NM_001173976.2); c.70C>T, p.Pro24Ser (NM_001319681.2); short protein forms P142S, P24S, P202S, P146S.
Identifiers: ClinVar variation 1987908 (VCV001987908.4), dbSNP rs1454540029, ClinGen allele CA386702624.